The following is an entry in ClinVar:

NM_004982.4(KCNJ8):c.76C>T (p.Arg26Cys)

Genes: KCNJ8 (potassium inwardly rectifying channel subfamily J member 8; minus strand), KCNJ8-AS1 (KCNJ8 antisense RNA 1; plus strand). Cytogenetic location: 12p12.1.
Variant type: single nucleotide variant.
Coding change: c.76C>T on transcript NM_004982.4 (MANE Select); coding-DNA position 76, C replaced by T.
Protein change: p.Arg26Cys; replaces arginine 26 with cysteine.
Molecular consequence: missense variant.
Genome position (GRCh38, 1-based): chr12:21,773,541, G>A on the plus strand (C>T on the coding strand, the complement: KCNJ8 is on the minus strand). VCF-style: chr12-21773541-G-A. GRCh37 (hg19) VCF-style: chr12-21926475-G-A.
Other names: short protein forms R26C.
Identifiers: ClinVar variation 1421499 (VCV001421499.6), dbSNP rs1341531219, ClinGen allele CA384132360.

ClinVar aggregate classification (germline): Uncertain significance (1 of 4 stars; one submission).

Conditions:
Brugada syndrome. Also called: Sudden unexpected nocturnal death syndrome; Sudden Unexplained Death Syndrome; Sudden Unexplained Nocturnal Death Syndrome (SUNDS); Sudden unexplained nocturnal death syndrome. Identifiers: Orphanet 130, MedGen C1142166, MONDO:0015263.

Allele frequency attached by ClinVar (database versions not stated): gnomAD exomes below 0.00001; gnomAD 0.00001; TOPMed 0.00001.
gnomAD v4.1: 8 of 1,614,084 alleles (0.0005%); highest among the groups gnomAD compares: Non-Finnish European, 0.00051%; no homozygotes.

Submission:

Labcorp Genetics (formerly Invitae), Labcorp
Classification: Uncertain significance for Brugada syndrome. Last evaluated: 2024-09-09. Review status: criteria provided, single submitter. Criteria: Invitae Variant Classification Sherloc (09022015). Collection method: clinical testing. Allele origin: germline.
Comment: This sequence change replaces arginine, which is basic and polar, with cysteine, which is neutral and slightly polar, at codon 26 of the KCNJ8 protein (p.Arg26Cys). This variant is not present in population databases (gnomAD no frequency). This variant has not been reported in the literature in individuals affected with KCNJ8-related conditions. ClinVar contains an entry for this variant (Variation ID: 1421499). An algorithm developed to predict the effect of missense changes on protein structure and function (PolyPhen-2) suggests that this variant is likely to be tolerated. In summary, the available evidence is currently insufficient to determine the role of this variant in disease. Therefore, it has been classified as a Variant of Uncertain Significance.